The following is an entry in ClinVar:

ClinVar aggregate classification (germline): Pathogenic. Review status: reviewed by expert panel (3 of 4 stars). 8 submissions from 8 submitters: Pathogenic (1). 7 of the submissions do not count toward it. Last evaluated 2016-09-08.

Conditions:
Inherited ovarian cancer (without breast cancer).
Inherited breast cancer and ovarian cancer.
Hereditary cancer-predisposing syndrome. Also called: Neoplastic Syndromes, Hereditary; Hereditary neoplastic syndrome; Hereditary Cancer Syndrome; Tumor predisposition. Identifiers: Orphanet 140162, MedGen C0027672, MeSH D009386, MONDO:0015356.
Hereditary breast ovarian cancer syndrome. Also called: BRCA1- and BRCA2-Associated Hereditary Breast and Ovarian Cancer; Hereditary breast and ovarian cancer syndrome (HBOC); Hereditary breast and ovarian cancer syndrome; Hereditary breast and/or ovarian cancer syndrome; Breast and ovarian cancer; Hereditary breast and ovarian cancer. Identifiers: Orphanet 145, MedGen C0677776, MeSH D061325, MONDO:0003582. Disease mechanism: loss of function.
Breast-ovarian cancer, familial, susceptibility to, 2 (BROVCA2). Also called: BRCA2 Hereditary Breast and Ovarian Cancer. Identifiers: Orphanet 145, MedGen C2675520, MONDO:0012933, OMIM 612555. Disease mechanism: loss of function.

Submissions (8):

Evidence-based Network for the Interpretation of Germline Mutant Alleles (ENIGMA)
Classification: Pathogenic for Breast-ovarian cancer, familial, susceptibility to, 2. Last evaluated: 2016-09-08. Review status: reviewed by expert panel. Criteria: ENIGMA BRCA1/2 Classification Criteria (2015). Collection method: curation. Allele origin: germline.
Comment: Variant allele predicted to encode a truncated non-functional protein.

Ambry Genetics
Classification: Pathogenic for Hereditary cancer-predisposing syndrome. Last evaluated: 2026-07-09. Review status: criteria provided, single submitter. Criteria: Ambry Variant Classification Scheme 2023. Collection method: clinical testing. Allele origin: germline. Not counted in ClinVar's aggregate classification.
Comment: The c.8756delG pathogenic mutation, located in coding exon 21 of the BRCA2 gene, results from a deletion of one nucleotide at nucleotide position 8756, causing a translational frameshift with a predicted alternate stop codon (p.G2919Vfs*8). This alteration was also identified in a large, worldwide study of BRCA1/2 mutation positive families (Rebbeck TR et al. Hum Mutat. 2018 May;39(5):593-620). In a large case control study, this variant was reported in 10/60,466 breast cancer cases and in 1/53,461 controls (Dorling et al. N Engl J Med 2021 02;384:428-439). In addition, this variant was reported in several Cypriot families with hereditary breast and ovarian cancer, and was identified through haplotype analysis as a potential founder mutation in the Cypriot population (Hadjisavvas A et al. Cancer Genet Cytogenet. 2004 Jun;151(2):152-6). Of note, this variant is also referred to as 8984delG in the literature. This variant is considered to be rare based on population cohorts in the Genome Aggregation Database (gnomAD). This alteration is expected to result in loss of function by premature protein truncation or nonsense-mediated mRNA decay. As such, this alteration is interpreted as a disease-causing mutation.

Genetics Laboratory, Great Ormond Street Hospital NHS Foundation Trust, North Thames Genomic Laboratory Hub
Classification: Pathogenic for Inherited ovarian cancer (without breast cancer). Last evaluated: 2026-06-03. Review status: criteria provided, single submitter. Criteria: CanVIG BRCA Gene Specific V1.22. Collection method: clinical testing. Allele origin: germline. Affected: yes. Not counted in ClinVar's aggregate classification.
Comment: PS4_supporting, PM2_supporting, PVS1_very-strong, PM5_strong

Labcorp Genetics (formerly Invitae), Labcorp
Classification: Pathogenic for Hereditary breast ovarian cancer syndrome. Last evaluated: 2025-09-11. Review status: criteria provided, single submitter. Criteria: Invitae Variant Classification Sherloc (09022015). Collection method: clinical testing. Allele origin: germline. Not counted in ClinVar's aggregate classification.
Comment: This sequence change creates a premature translational stop signal (p.Gly2919Valfs*8) in the BRCA2 gene. It is expected to result in an absent or disrupted protein product. Loss-of-function variants in BRCA2 are known to be pathogenic (PMID: 20104584). This variant is not present in population databases (gnomAD no frequency). This premature translational stop signal has been observed in individual(s) with breast cancer, ovarian cancer, and/or prostate cancer (PMID: 12552570, 30078507, 31723001). This variant is also known as 8984delG. ClinVar contains an entry for this variant (Variation ID: 52674). Studies have shown that this premature translational stop signal is associated with inconclusive levels of altered splicing (internal data). For these reasons, this variant has been classified as Pathogenic.

Cambridge Genomics Laboratory, East Genomic Laboratory Hub, NHS Genomic Medicine Service
Classification: Pathogenic for Inherited breast cancer and ovarian cancer. Last evaluated: 2025-05-08. Review status: criteria provided, single submitter. Criteria: ACGS Best Practice Guidelines for Variant Classification in Rare Disease 2020. Collection method: clinical testing. Allele origin: germline. Affected: yes. Not counted in ClinVar's aggregate classification.
Comment: PVS1,PS4_Very Strong,PM2_Supporting,PM5_Strong

Color Diagnostics, LLC DBA Color Health
Classification: Pathogenic for Hereditary cancer-predisposing syndrome. Last evaluated: 2025-03-04. Review status: criteria provided, single submitter. Criteria: ACMG Guidelines, 2015. Collection method: clinical testing. Allele origin: germline. Not counted in ClinVar's aggregate classification.
Comment: This variant deletes 1 nucleotide in exon 22 of the BRCA2 gene, creating a frameshift and premature translation stop signal. This variant is expected to result in an absent or non-functional protein product. This variant has been detected in nearly 30 individuals and families affected with breast and/or ovarian cancer (PMID: 12552570, 27882536, 31209999) and haplotype analysis suggests that this variant may be a founder mutation in the Cypriot population (PMID: 15172753). This variant also has been reported in a breast cancer case-control meta-analysis in 10/60466 cases and 1/53461 unaffected individuals with OR=8.843 (95%CI 1.132 to 69.082) (PMID: 33471991; Leiden Open Variation Database DB-ID BRCA2_005480). This variant has not been identified in the general population by the Genome Aggregation Database (gnomAD). Loss of BRCA2 function is a known mechanism of disease. Based on the available evidence, this variant is classified as Pathogenic.

Consortium of Investigators of Modifiers of BRCA1/2 (CIMBA), c/o University of Cambridge
Classification: Pathogenic for Breast-ovarian cancer, familial, susceptibility to, 2. Last evaluated: 2015-10-02. Review status: criteria provided, single submitter. Criteria: CIMBA Mutation Classification guidelines May 2016. Collection method: clinical testing. Allele origin: germline. Not counted in ClinVar's aggregate classification.

Breast Cancer Information Core (BIC) (BRCA2)
Classification: Pathogenic for Breast-ovarian cancer, familial 2. Last evaluated: 2002-05-29. Review status: no assertion criteria provided. Collection method: clinical testing. Allele origin: germline. Affected: yes. Observed: 2 variant alleles. Not counted in ClinVar's aggregate classification.

Literature cited by the submitters: PubMed 15172753 (cited by Ambry Genetics and Color Diagnostics, LLC DBA Color Health); PubMed 26834852 (cited by Ambry Genetics); PubMed 29446198 (cited by Ambry Genetics); PubMed 33471991 (cited by Ambry Genetics and Color Diagnostics, LLC DBA Color Health); PubMed 36721989 (cited by Ambry Genetics); PubMed 20104584 (cited by Labcorp Genetics (formerly Invitae), Labcorp); PubMed 12552570 (cited by Labcorp Genetics (formerly Invitae), Labcorp and Color Diagnostics, LLC DBA Color Health); PubMed 30078507 (cited by Labcorp Genetics (formerly Invitae), Labcorp); PubMed 31723001 (cited by Labcorp Genetics (formerly Invitae), Labcorp); PubMed 27882536 (cited by Color Diagnostics, LLC DBA Color Health); PubMed 31209999 (cited by Color Diagnostics, LLC DBA Color Health).

NM_000059.4(BRCA2):c.8756del

Gene: BRCA2 (BRCA2 DNA repair associated; plus strand). Cytogenetic location: 13q13.1.
Variant type: Deletion.
Coding change: c.8756del on transcript NM_000059.4 (MANE Select); coding-DNA position 8756, one base deleted (G; older notation c.8756delG).
Molecular consequence: splice acceptor variant.
Genome position (GRCh38, 1-based): chr13:32,379,318, G deleted; the last of 3 consecutive G bases (chr13:32,379,316-32,379,318); deleting any one gives the same sequence. VCF-style (leftmost placement, unchanged base first): chr13-32379315-AG-A. GRCh37 (hg19) VCF-style: chr13-32953452-AG-A.
Other names: 8984delG.
Identifiers: ClinVar variation 52674 (VCV000052674.14), dbSNP rs80359728, ClinGen allele CA025817.
Genomic context (GRCh38, chr13:32,379,315, plus strand): 5'-TACAATAGATGGAACTTTTTTGTTCTGATTGCTTTTTATTCCAATATCTTAAATGGTCAC[AG>A]GGTTATTTCAGTGAAGAGCAGTTAAGAGCCTTGAATAATCACAGGCAAATGTTGAATGAT-3'